The following is an entry in ClinVar:

ClinVar aggregate classification (germline): Conflicting classifications of pathogenicity. Review status: criteria provided, conflicting classifications (1 of 4 stars). 2 submissions from 2 submitters: Uncertain significance (1); Likely benign (1). Last evaluated 2025-08-07.

Allele frequency attached by ClinVar (database versions not stated): ExAC 0.00209; 1000 Genomes Project 0.00280; gnomAD 0.01153.

Submissions (2):

Ambry Genetics
Classification: Uncertain significance. Last evaluated: 2025-08-07. Review status: criteria provided, single submitter. Criteria: Ambry Variant Classification Scheme 2023. Collection method: clinical testing. Allele origin: germline.

CeGaT Center for Human Genetics Tuebingen
Classification: Likely benign. Last evaluated: 2024-01-01. Review status: criteria provided, single submitter. Criteria: CeGaT Center For Human Genetics Tuebingen Variant Classification Criteria Version 2. Collection method: clinical testing. Allele origin: germline. Affected: yes. Observed: 1 variant allele.
Comment: PRAMEF2: BS2

NM_023014.1(PRAMEF2):c.355G>T (p.Ala119Ser)

Genes: PRAMEF2 (PRAME family member 2; plus strand), LOC126805622 (CDK7 strongly-dependent group 2 enhancer GRCh37_chr1:12919058-12920257; plus strand). Cytogenetic location: 1p36.21.
Variant type: single nucleotide variant.
Coding change: c.355G>T on transcript NM_023014.1 (MANE Select); coding-DNA position 355, G replaced by T.
Protein change: p.Ala119Ser; replaces alanine 119 with serine.
Molecular consequence: missense variant.
Genome position (GRCh38, 1-based): chr1:12,859,760, G>T. VCF-style: chr1-12859760-G-T. GRCh37 (hg19) VCF-style: chr1-12919615-G-T.
Other names: short protein forms A119S.
Identifiers: ClinVar variation 3025685 (VCV003025685.23), dbSNP rs201917301, ClinGen allele CA607993.